The following is an entry in ClinVar:

NM_019032.6(ADAMTSL4):c.2178-2A>G

Gene: ADAMTSL4 (ADAMTS like 4; plus strand). Cytogenetic location: 1q21.2.
Variant type: single nucleotide variant.
Coding change: c.2178-2A>G on transcript NM_019032.6 (MANE Select); the canonical splice acceptor site of the intron before coding-DNA position 2178, A replaced by G.
Molecular consequence: splice acceptor variant.
Genome position (GRCh38, 1-based): chr1:150,557,943, A>G. VCF-style: chr1-150557943-A-G. GRCh37 (hg19) VCF-style: chr1-150530419-A-G.
Other names: c.2247-2A>G (NM_001288608.2); c.2061-2A>G (NM_001288607.2); c.2178-2A>G (NM_001378596.1, NM_025008.5).
Identifiers: ClinVar variation 2892072 (VCV002892072.5), dbSNP rs755516700, ClinGen allele CA1078576.

ClinVar aggregate classification (germline): Likely pathogenic. Review status: criteria provided, multiple submitters, no conflicts (2 of 4 stars). 3 submissions from 3 submitters: Likely pathogenic (3). Last evaluated 2025-11-19.

Conditions:
ADAMTSL4-related disorder. Also called: ADAMTSL4-related condition; ADAMTSL4-Related Disorders.
Ectopia lentis et pupillae. Also called: ECTOPIA LENTIS WITH ECTOPIA OF PUPIL. Identifiers: Orphanet 1885, MedGen C1644196, MONDO:0009153, OMIM 225200.
Ectopia lentis 2, isolated, autosomal recessive (ECTOL2). Identifiers: Orphanet 1885, MedGen C3541474, MONDO:0009152, OMIM 225100.

Allele frequency attached by ClinVar (database versions not stated): gnomAD exomes below 0.00001; ExAC 0.00001; TOPMed 0.00001.
gnomAD v4.1: 6 of 1,605,510 alleles (0.00037%); highest among the groups gnomAD compares: South Asian, 0.0011%; no homozygotes.

Submissions (3):

Labcorp Genetics (formerly Invitae), Labcorp
Classification: Likely pathogenic. Last evaluated: 2025-11-19. Review status: criteria provided, single submitter. Criteria: Invitae Variant Classification Sherloc (09022015). Collection method: clinical testing. Allele origin: germline.
Comment: This sequence change affects an acceptor splice site in intron 13 of the ADAMTSL4 gene. It is expected to disrupt RNA splicing. Variants that disrupt the donor or acceptor splice site typically lead to a loss of protein function (PMID: 16199547), and loss-of-function variants in ADAMTSL4 are known to be pathogenic (PMID: 20564469, 28642162). This variant is present in population databases (rs755516700, gnomAD 0.003%). This variant has not been reported in the literature in individuals affected with ADAMTSL4-related conditions. ClinVar contains an entry for this variant (Variation ID: 2892072). Algorithms developed to predict the effect of sequence changes on RNA splicing suggest that this variant may disrupt the consensus splice site. In summary, the currently available evidence indicates that the variant is pathogenic, but additional data are needed to prove that conclusively. Therefore, this variant has been classified as Likely Pathogenic.

Blueprint Genetics
Classification: Likely pathogenic for ADAMTSL4-related disorders. Last evaluated: 2024-09-13. Review status: criteria provided, single submitter. Criteria: ACMG Guidelines, 2015. Collection method: clinical testing. Allele origin: germline. Affected: yes. Observed: 3 variant alleles.

Department of Pathology and Laboratory Medicine, Sinai Health System
Classification: Likely pathogenic for Ectopia lentis et pupillae; Ectopia lentis 2, isolated, autosomal recessive. Last evaluated: 2023-05-11. Review status: criteria provided, single submitter. Criteria: ACMG Guidelines, 2015. Collection method: research. Allele origin: germline.

Literature cited by the submitters: PubMed 16199547 (cited by Labcorp Genetics (formerly Invitae), Labcorp); PubMed 20564469 (cited by Labcorp Genetics (formerly Invitae), Labcorp); PubMed 28642162 (cited by Labcorp Genetics (formerly Invitae), Labcorp).